The following is an entry in ClinVar:

NM_004415.4(DSP):c.8155C>T (p.Pro2719Ser)

Gene: DSP (desmoplakin; plus strand). Cytogenetic location: 6p24.3.
Variant type: single nucleotide variant.
Coding change: c.8155C>T on transcript NM_004415.4 (MANE Select); coding-DNA position 8155, C replaced by T.
Protein change: p.Pro2719Ser; replaces proline 2719 with serine.
Molecular consequence: missense variant.
Genome position (GRCh38, 1-based): chr6:7,585,417, C>T. VCF-style: chr6-7585417-C-T. GRCh37 (hg19) VCF-style: chr6-7585650-C-T.
Other names: c.6358C>T, p.Pro2120Ser (NM_001008844.3); c.6826C>T, p.Pro2276Ser (NM_001319034.2); short protein forms P2719S, P2276S, P2120S.
Identifiers: ClinVar variation 4788917 (VCV004788917.1).

ClinVar aggregate classification (germline): Uncertain significance (1 of 4 stars; one submission).

Conditions:
Arrhythmogenic right ventricular dysplasia 8 (ARVD8). Also called: Arrhythmogenic Right Ventricular Dysplasia/Cardiomyopathy 8; ARRHYTHMOGENIC RIGHT VENTRICULAR DYSPLASIA, FAMILIAL, 8; ARRHYTHMOGENIC RIGHT VENTRICULAR CARDIOMYOPATHY 8. Identifiers: MedGen C1843896, MONDO:0011831, OMIM 607450.
Arrhythmogenic cardiomyopathy with wooly hair and keratoderma. Also called: Arrhythmogenic cardiomyopathy with woolly hair and keratoderma; PALMOPLANTAR KERATODERMA WITH LEFT VENTRICULAR CARDIOMYOPATHY AND WOOLLY HAIR; Carvajal syndrome; Dilated cardiomyopathy with woolly hair and keratoderma. Identifiers: Orphanet 65282, MedGen C1854063, MONDO:0011581, OMIM 605676.

Submission:

Labcorp Genetics (formerly Invitae), Labcorp
Classification: Uncertain significance for Arrhythmogenic cardiomyopathy with wooly hair and keratoderma; Arrhythmogenic right ventricular dysplasia 8. Last evaluated: 2025-09-29. Review status: criteria provided, single submitter. Criteria: Invitae Variant Classification Sherloc (09022015). Collection method: clinical testing. Allele origin: germline.
Comment: This sequence change replaces proline, which is neutral and non-polar, with serine, which is neutral and polar, at codon 2719 of the DSP protein (p.Pro2719Ser). This variant is not present in population databases (gnomAD no frequency). This variant has not been reported in the literature in individuals affected with DSP-related conditions. An algorithm developed to predict the effect of missense changes on protein structure and function (PolyPhen-2) suggests that this variant is likely to be disruptive. In summary, the available evidence is currently insufficient to determine the role of this variant in disease. Therefore, it has been classified as a Variant of Uncertain Significance.